The following is an entry in ClinVar:

ClinVar aggregate classification (germline): Likely benign (1 of 4 stars; one submission).

Submission:

Women's Health and Genetics/Laboratory Corporation of America, LabCorp
Classification: Likely benign. Last evaluated: 2025-05-02. Review status: criteria provided, single submitter. Criteria: LabCorp Variant Classification Summary - May 2015. Collection method: clinical testing. Allele origin: germline.
Comment: Variant summary: The variant involves a deletion of about 19.4 kbp, that is located outside of the SNRPN gene region (i.e. upstream of the noncoding exon 1) in NM_003097.6, however it corresponds to the deletion of the non-coding exons 1-2 in a different transcript, i.e. in NM_022807. A presumed nomenclature of NM_003097.6 c.(?_-134982)_(-115604_?)del has been designated for the purposes of this classification. This copy number variant (CNV) involves a deletion in the 5' untranslated region upstream of the initiation codon and therefore its potential effect on the encoded protein is unknown. In addition, current evidence is not sufficient to establish loss of function as a mechanism for disease. A similar deletion (size: 19,480 bp) was found at a frequency of 0.0029 in 120780 control chromosomes, predominantly at a frequency of 0.0096 within the African or African-American subpopulation in the gnomAD database, including 4 homozygotes. The observed variant frequency within African or African-American control individuals in the gnomAD database exceeds the estimated maximal expected allele frequency for a pathogenic variant in SNRPN causing Angelman Syndrome phenotype. To our knowledge, no occurrence of similar deletions in individuals affected with Angelman Syndrome and no experimental evidence demonstrating its impact on protein function have been reported. A smaller (~13.5 kbp), overlapping deletion in this region was reported as paternally inherited in an individual with Prader-Willi-like characteristics, including intellectual disability, neurodevelopmental delay, and obesity (PMID: 27659333), however no convincing evidence was provided for the causal role of this variant. ClinVar contains an entry for a similar variant (Variation ID: 2671603). In conclusion, similar sized deletion variants are reported with high allele frequencies in controls, and currently no evidence suggests a causal role in patients. Based on the evidence outlined above, the variant was classified as likely benign.

NC_000015.9:g.(?_25065618)_(25084996_?)del

Gene: SNRPN (small nuclear ribonucleoprotein polypeptide N; plus strand). Cytogenetic location: 15q11.2.
Variant type: Deletion.
Identifiers: ClinVar variation 3902551 (VCV003902551.1).